The following is an entry in ClinVar:

ClinVar aggregate classification (germline): Likely pathogenic (1 of 4 stars; one submission).

Conditions:
X-linked Alport syndrome (ATS1). Also called: COL4A5-Related Nephropathy; NEPHROPATHY AND DEAFNESS, X-LINKED. Identifiers: Orphanet 63, Orphanet 88917, MedGen C4746986, MONDO:0010520, OMIM 301050.

Submission:

Myriad Genetics, Inc.
Classification: Likely pathogenic for X-linked Alport syndrome. Last evaluated: 2022-02-17. Review status: criteria provided, single submitter. Criteria: Myriad Women's Health Autosomal Recessive and X-Linked Classification Criteria (2021). Collection method: clinical testing. Allele origin: unknown.
Comment: NM_000495.4(COL4A5):c.3782_3783delGG(G1261Efs*20) is expected to be pathogenic in the context of X-linked Alport syndrome. This variant is predicted to lead to an abnormal or absent protein product due to the creation of a premature termination codon in COL4A5, a gene where loss-of-function variants are known to be pathogenic. Please note: this variant was assessed in the context of healthy population screening.

NM_033380.3(COL4A5):c.3782_3783del (p.Gly1261fs)

Gene: COL4A5 (collagen type IV alpha 5 chain; plus strand). Cytogenetic location: Xq22.3.
Variant type: Deletion.
Coding change: c.3782_3783del on transcript NM_033380.3 (MANE Select); coding-DNA positions 3782 to 3783, 2 bases deleted (GG; older notation c.3782_3783delGG).
Protein change: p.Gly1261fs; shifts the reading frame from glycine 1261.
Molecular consequence: frameshift variant.
Genome position (GRCh38, 1-based): chrX:108,668,496-108,668,497, GG deleted; deleting any 2 consecutive bases within chrX:108,668,495-108,668,497 gives the same sequence; the c. name uses the placement nearest the transcript's 3' end. VCF-style (leftmost placement, unchanged base first): chrX-108668494-TGG-T. GRCh37 (hg19) VCF-style: chrX-107911724-TGG-T.
Other names: c.3782_3783del, p.Gly1261fs (NM_000495.5); short protein forms G1261fs.
Identifiers: ClinVar variation 1724442 (VCV001724442.2), dbSNP rs2524576195, ClinGen allele CA2580100190.